The following is an entry in ClinVar:

ClinVar aggregate classification (germline): Uncertain significance (1 of 4 stars; one submission).

Conditions:
Hereditary breast ovarian cancer syndrome. Also called: Hereditary breast and ovarian cancer syndrome (HBOC); Breast and ovarian cancer; Hereditary breast and ovarian cancer; Hereditary breast and ovarian cancer syndrome; BRCA1- and BRCA2-Associated Hereditary Breast and Ovarian Cancer; Hereditary breast and/or ovarian cancer syndrome. Identifiers: Orphanet 145, MedGen C0677776, MeSH D061325, MONDO:0003582. Disease mechanism: loss of function.

Submission:

Labcorp Genetics (formerly Invitae), Labcorp
Classification: Uncertain significance for Hereditary breast ovarian cancer syndrome. Last evaluated: 2023-11-05. Review status: criteria provided, single submitter. Criteria: Invitae Variant Classification Sherloc (09022015). Collection method: clinical testing. Allele origin: germline.
Comment: This sequence change replaces isoleucine, which is neutral and non-polar, with valine, which is neutral and non-polar, at codon 1858 of the BRCA1 protein (p.Ile1858Val). This variant is not present in population databases (gnomAD no frequency). This variant has not been reported in the literature in individuals affected with BRCA1-related conditions. Advanced modeling of protein sequence and biophysical properties (such as structural, functional, and spatial information, amino acid conservation, physicochemical variation, residue mobility, and thermodynamic stability) performed at Invitae indicates that this missense variant is not expected to disrupt BRCA1 protein function with a negative predictive value of 95%. In summary, the available evidence is currently insufficient to determine the role of this variant in disease. Therefore, it has been classified as a Variant of Uncertain Significance.

NM_007294.4(BRCA1):c.5572A>G (p.Ile1858Val)

Gene: BRCA1 (BRCA1 DNA repair associated; minus strand). Cytogenetic location: 17q21.31.
Variant type: single nucleotide variant.
Coding change: c.5572A>G on transcript NM_007294.4 (MANE Select); coding-DNA position 5572, A replaced by G.
Protein change: p.Ile1858Val; replaces isoleucine 1858 with valine.
Molecular consequence: missense variant. On other transcripts: 3 prime UTR variant (17).
Genome position (GRCh38, 1-based): chr17:43,045,698, T>C on the plus strand (A>G on the coding strand, the complement: BRCA1 is on the minus strand). VCF-style: chr17-43045698-T-C. GRCh37 (hg19) VCF-style: chr17-41197715-T-C.
Other names: c.2146A>G, p.Ile716Val (NM_001408418.1, NM_001408419.1, NM_001408420.1); c.2143A>G, p.Ile715Val (NM_001408421.1, NM_001408422.1, NM_001408423.1 and 1 more transcripts); c.2140A>G, p.Ile714Val (NM_001408425.1, NM_001408426.1, NM_001408427.1 and 4 more transcripts); c.2137A>G, p.Ile713Val (NM_001408432.1, NM_001408433.1, NM_001408434.1 and 10 more transcripts); c.2134A>G, p.Ile712Val (NM_001408445.1, NM_001408446.1, NM_001408447.1 and 2 more transcripts); c.2128A>G, p.Ile710Val (NM_001408451.1); c.2122A>G, p.Ile708Val (NM_001408452.1, NM_001408453.1, NM_001408454.1 and 3 more transcripts); c.2119A>G, p.Ile707Val (NM_001408458.1, NM_001408459.1, NM_001408460.1 and 7 more transcripts); and 74 more; short protein forms I1561V, I1704V, I1786V, I1790V, I1815V, I1817V, I1853V, I1854V.
Identifiers: ClinVar variation 2693360 (VCV002693360.3), dbSNP rs765656957, ClinGen allele CA10590182.
Genomic context (GRCh38, chr17:43,045,698, plus strand): 5'-TCTTGGGGTCCTGTGGCTCTGTACCTGTGGCTGGCTGCAGTCAGTAGTGGCTGTGGGGGA[T>C]CTGGGGTATCAGGTAGGTGTCCAGCTCCTGGCACTGGTAGAGTGCTACACTGTCCAACAC-3'
Protein context (NP_009225.1, residues 1848-1863): QELDTYLIPQ[Ile1858Val]PHSHY